The following is an entry in ClinVar:

NM_021076.4(NEFH):c.1150G>A (p.Glu384Lys)

Gene: NEFH (neurofilament heavy chain; plus strand). Cytogenetic location: 22q12.2.
Variant type: single nucleotide variant.
Coding change: c.1150G>A on transcript NM_021076.4 (MANE Select); coding-DNA position 1150, G replaced by A.
Protein change: p.Glu384Lys; replaces glutamic acid 384 with lysine.
Molecular consequence: missense variant.
Genome position (GRCh38, 1-based): chr22:29,485,789, G>A. VCF-style: chr22-29485789-G-A. GRCh37 (hg19) VCF-style: chr22-29881778-G-A.
Other names: short protein forms E384K.
Identifiers: ClinVar variation 2979161 (VCV002979161.3), dbSNP rs766716879, ClinGen allele CA10174133.

ClinVar aggregate classification (germline): Uncertain significance (1 of 4 stars; one submission).

Allele frequency attached by ClinVar (database versions not stated): TOPMed below 0.00001; ExAC 0.00001; gnomAD exomes 0.00001.

Submission:

Labcorp Genetics (formerly Invitae), Labcorp
Classification: Uncertain significance. Last evaluated: 2024-03-28. Review status: criteria provided, single submitter. Criteria: Invitae Variant Classification Sherloc (09022015). Collection method: clinical testing. Allele origin: germline.
Comment: This sequence change replaces glutamic acid, which is acidic and polar, with lysine, which is basic and polar, at codon 384 of the NEFH protein (p.Glu384Lys). This variant is present in population databases (rs766716879, gnomAD 0.006%). This variant has not been reported in the literature in individuals affected with NEFH-related conditions. Advanced modeling of protein sequence and biophysical properties (such as structural, functional, and spatial information, amino acid conservation, physicochemical variation, residue mobility, and thermodynamic stability) performed at Invitae indicates that this missense variant is expected to disrupt NEFH protein function with a positive predictive value of 95%. In summary, the available evidence is currently insufficient to determine the role of this variant in disease. Therefore, it has been classified as a Variant of Uncertain Significance.